The following is an entry in ClinVar:

NM_006892.4(DNMT3B):c.311G>A (p.Arg104Gln)

Gene: DNMT3B (DNA methyltransferase 3 beta; plus strand). Cytogenetic location: 20q11.21.
Variant type: single nucleotide variant.
Coding change: c.311G>A on transcript NM_006892.4 (MANE Select); coding-DNA position 311, G replaced by A.
Protein change: p.Arg104Gln; replaces arginine 104 with glutamine.
Molecular consequence: missense variant. On other transcripts: intron variant (2).
Genome position (GRCh38, 1-based): chr20:32,786,506, G>A. VCF-style: chr20-32786506-G-A. GRCh37 (hg19) VCF-style: chr20-31374312-G-A.
Other names: c.311G>A, p.Arg104Gln (NM_175848.2, NM_175849.2); c.347G>A, p.Arg116Gln (NM_175850.3); c.307-724G>A (NM_001207055.2); c.205-724G>A (NM_001207056.2); short protein forms R116Q, R104Q.
Identifiers: ClinVar variation 1371457 (VCV001371457.5), dbSNP rs551752168, ClinGen allele CA9810148.
Genomic context (GRCh38, chr20:32,786,506, plus strand): 5'-CAGACCCCAGGCCTCCAGTCACCTAAGGCCCAGTGAGTGTCCTCTCTTGCTTCTAGGTCC[G>A]AACTCGAAATAACAACAGTGTCTCCAGCCGGGAGAGGCACAGGCCTTCCCCACGTTCCAC-3'
Protein context (NP_008823.1, residues 94-114): TRTRSESPAV[Arg104Gln]TRNNNSVSSR

ClinVar aggregate classification (germline): Uncertain significance (1 of 4 stars; one submission).

Conditions:
Centromeric instability of chromosomes 1,9 and 16 and immunodeficiency (ICF1). Also called: IMMUNE DEFICIENCY, VARIABLE, WITH CENTROMERIC INSTABILITY OF CHROMOSOMES 1, 9, AND 16; IMMUNODEFICIENCY SYNDROME, VARIABLE; Immunodeficiency-centromeric instability-facial anomalies; CENTROMERIC INSTABILITY, IMMUNODEFICIENCY SYNDROME. Identifiers: Orphanet 2268, MedGen C0398788, MONDO:0000133.

Allele frequency attached by ClinVar (database versions not stated): gnomAD exomes below 0.00001; TOPMed below 0.00001; gnomAD 0.00001 and 0.00002; ExAC 0.00002; 1000 Genomes Project 0.00040; 1000 Genomes Project 30x 0.00047.
gnomAD v4.1: 17 of 1,613,994 alleles (0.0011%); highest among the groups gnomAD compares: East Asian, 0.0067%; no homozygotes.

Submission:

Labcorp Genetics (formerly Invitae), Labcorp
Classification: Uncertain significance for Centromeric instability of chromosomes 1,9 and 16 and immunodeficiency. Last evaluated: 2022-04-29. Review status: criteria provided, single submitter. Criteria: Invitae Variant Classification Sherloc (09022015). Collection method: clinical testing. Allele origin: germline.
Comment: This sequence change replaces arginine, which is basic and polar, with glutamine, which is neutral and polar, at codon 104 of the DNMT3B protein (p.Arg104Gln). This variant is present in population databases (rs551752168, gnomAD 0.006%). This variant has not been reported in the literature in individuals affected with DNMT3B-related conditions. Algorithms developed to predict the effect of missense changes on protein structure and function output the following: SIFT: "Deleterious"; PolyPhen-2: "Probably Damaging"; Align-GVGD: "Class C0". The glutamine amino acid residue is found in multiple mammalian species, which suggests that this missense change does not adversely affect protein function. In summary, the available evidence is currently insufficient to determine the role of this variant in disease. Therefore, it has been classified as a Variant of Uncertain Significance.